The following is an entry in ClinVar:

ClinVar aggregate classification (germline): Uncertain significance (1 of 4 stars; one submission).

Submission:

Ambry Genetics
Classification: Uncertain significance. Last evaluated: 2024-10-23. Review status: criteria provided, single submitter. Criteria: Ambry Variant Classification Scheme 2023. Collection method: clinical testing. Allele origin: germline.
Comment: The p.P4126L variant (also known as c.12377C>T), located in coding exon 86 of the PRKDC gene, results from a C to T substitution at nucleotide position 12377. The proline at codon 4126 is replaced by leucine, an amino acid with similar properties. This amino acid position is conserved. Based on the available evidence, the clinical significance of this variant remains unclear.

NM_006904.7(PRKDC):c.12377C>T (p.Pro4126Leu)

Gene: PRKDC (protein kinase, DNA-activated, catalytic subunit; minus strand). Cytogenetic location: 8q11.21.
Variant type: single nucleotide variant.
Coding change: c.12377C>T on transcript NM_006904.7 (MANE Select); coding-DNA position 12377, C replaced by T.
Protein change: p.Pro4126Leu; replaces proline 4126 with leucine.
Molecular consequence: missense variant.
Genome position (GRCh38, 1-based): chr8:47,774,183, G>A on the plus strand (C>T on the coding strand, the complement: PRKDC is on the minus strand). VCF-style: chr8-47774183-G-A. GRCh37 (hg19) VCF-style: chr8-48686744-G-A.
Other names: c.12284C>T, p.Pro4095Leu (NM_001081640.2); short protein forms P4095L, P4126L.
Identifiers: ClinVar variation 3425369 (VCV003425369.1).
Genomic context (GRCh38, chr8:47,774,183, plus strand): 5'-TAGATTCTTTAAACAATGTAATGCTTTCTATCTGCAGACTCCCACAGACCTCACATCCAG[G>A]GCTCCCATCCTTCCCAGGTTCTGCCAAGGATGTTGGGGTCTGTTGCCTGGTCCATCAGGC-3'
Protein context (NP_008835.5, residues 4116-4128): ILGRTWEGWE[Pro4126Leu]WM